The following is an entry in ClinVar:

ClinVar aggregate classification (germline): Likely pathogenic (1 of 4 stars; one submission).

Conditions:
Amyotrophic lateral sclerosis type 12 (ALS12). Also called: AMYOTROPHIC LATERAL SCLEROSIS 12 WITH OR WITHOUT FRONTOTEMPORAL DEMENTIA. Identifiers: Orphanet 803, MedGen C3150692, MONDO:0013264, OMIM 613435.

Submission:

3billion
Classification: Likely pathogenic for Amyotrophic lateral sclerosis type 12. Last evaluated: 2024-07-30. Review status: criteria provided, single submitter. Criteria: ACMG Guidelines, 2015. Collection method: clinical testing. Allele origin: germline. Affected: yes.
Comment: The variant is not observed in the gnomAD v4.0.0 dataset. Predicted Consequence/Location: Stop-gained (nonsense): predicted to result in a loss or disruption of normal protein function through nonsense-mediated decay (NMD) or protein truncation. Multiple pathogenic variants are reported downstream of the variant. Therefore, this variant is classified as Likely pathogenic according to the recommendation of ACMG/AMP guideline.

NM_001008212.2(OPTN):c.918_928del (p.Val306_Thr307insTer)

Gene: OPTN (optineurin; plus strand). Cytogenetic location: 10p13.
Variant type: Deletion.
Coding change: c.918_928del on transcript NM_001008212.2 (MANE Select); coding-DNA positions 918 to 928, 11 bases deleted (GACATCTCTGT).
Protein change: p.Val306_Thr307insTer.
Molecular consequence: frameshift variant.
Genome position (GRCh38, 1-based): chr10:13,124,030-13,124,040, GACATCTCTGT deleted; deleting any 11 consecutive bases within chr10:13,124,028-13,124,040 gives the same sequence; the c. name uses the placement nearest the transcript's 3' end. VCF-style (leftmost placement, unchanged base first): chr10-13124027-GGTGACATCTCT-G. GRCh37 (hg19) VCF-style: chr10-13166027-GGTGACATCTCT-G.
Other names: c.918_928del, p.Val306_Thr307insTer (NM_001008211.1, NM_001008213.1, NM_021980.4).
Identifiers: ClinVar variation 4292244 (VCV004292244.1).